The following is an entry in ClinVar:

NM_025074.7(FRAS1):c.8137G>T (p.Val2713Phe)

Gene: FRAS1 (Fraser extracellular matrix complex subunit 1; plus strand). Cytogenetic location: 4q21.21.
Variant type: single nucleotide variant.
Coding change: c.8137G>T on transcript NM_025074.7 (MANE Select); coding-DNA position 8137, G replaced by T.
Protein change: p.Val2713Phe; replaces valine 2713 with phenylalanine.
Molecular consequence: missense variant.
Genome position (GRCh38, 1-based): chr4:78,479,412, G>T. VCF-style: chr4-78479412-G-T. GRCh37 (hg19) VCF-style: chr4-79400566-G-T.
Other names: short protein forms V2713F.
Identifiers: ClinVar variation 2497899 (VCV002497899.1), dbSNP rs1249295260, ClinGen allele CA357372589.
Genomic context (GRCh38, chr4:78,479,412, plus strand): 5'-TTTTTTGCCATTTGTATTTCAGGAGATGCAAGCAGCATTGTATCTGCAATTTGCTACACA[G>T]TCCCTAAGTCAGCTATGGGAAGTAGCCTCTATGCTCTAGAATCAGGCTCTGATTTTAAAT-3'
Protein context (NP_079350.5, residues 2703-2723): SSIVSAICYT[Val2713Phe]PKSAMGSSLY

ClinVar aggregate classification (germline): Uncertain significance (1 of 4 stars; one submission).

Allele frequency attached by ClinVar (database versions not stated): TOPMed below 0.00001; gnomAD 0.00001; gnomAD exomes 0.00001.
gnomAD v4.1: 5 of 1,548,282 alleles (0.00032%); highest among the groups gnomAD compares: Non-Finnish European, 0.00044%; no homozygotes.

Submission:

GeneDx
Classification: Uncertain significance. Last evaluated: 2022-10-05. Review status: criteria provided, single submitter. Criteria: GeneDx Variant Classification Process June 2021. Collection method: clinical testing. Allele origin: germline. Affected: yes.
Comment: In silico analysis supports that this missense variant does not alter protein structure/function; Has not been previously published as pathogenic or benign to our knowledge